The following is an entry in ClinVar:

ClinVar aggregate classification (germline): Uncertain significance. Review status: criteria provided, multiple submitters, no conflicts (2 of 4 stars). 2 submissions from 2 submitters: Uncertain significance (2). Last evaluated 2026-03-04.

Conditions:
TTN-related disorder. Also called: TTN-related disorders; TTN-related condition; TTN-related disease.
Autosomal recessive limb-girdle muscular dystrophy type 2J (LGMDR10). Also called: Limb-girdle muscular dystrophy, type 2J; MUSCULAR DYSTROPHY, LIMB-GIRDLE, AUTOSOMAL RECESSIVE 10. Identifiers: Orphanet 140922, MedGen C1837342, MONDO:0012127, OMIM 608807.
Dilated cardiomyopathy 1G (CMD1G). Identifiers: Orphanet 154, MedGen C1858763, MONDO:0011400, OMIM 604145.

Submissions (2):

PreventionGenetics, part of Exact Sciences
Classification: Uncertain significance for TTN-related condition. Last evaluated: 2026-03-04. Review status: criteria provided, single submitter. Criteria: ACMG Guidelines, 2015. Collection method: clinical testing. Allele origin: germline.
Comment: The TTN c.38879_38880delinsTG variant is predicted to result in an in-frame deletion and insertion. To our knowledge, this variant has not been reported in the literature or in a large population database (gnomAD), indicating this variant is rare. At this time, the clinical significance of this variant is uncertain due to the absence of conclusive functional and genetic evidence.

Labcorp Genetics (formerly Invitae), Labcorp
Classification: Uncertain significance for Dilated cardiomyopathy 1G; Autosomal recessive limb-girdle muscular dystrophy type 2J. Last evaluated: 2016-12-25. Review status: criteria provided, single submitter. Criteria: Invitae Variant Classification Sherloc (09022015). Collection method: clinical testing. Allele origin: germline.

NM_001267550.2(TTN):c.38879_38880inv (p.Pro12960Leu)

Gene: TTN (titin; minus strand). Cytogenetic location: 2q31.2.
Variant type: Inversion.
Coding change: c.38879_38880inv on transcript NM_001267550.2 (MANE Select).
Protein change: p.Pro12960Leu; replaces proline 12960 with leucine.
Molecular consequence: missense variant. On other transcripts: intron variant (5).
Genome position: GRCh38 VCF-style: chr2-178652927-TG-CA. GRCh37 (hg19) VCF-style: chr2-179517654-TG-CA.
Other names: c.13283-10611_13283-10610inv (NM_003319.4); c.13859-10611_13859-10610inv (NM_133437.4); c.13658-10611_13658-10610inv (NM_133432.3); c.31742-387_31742-386inv (NM_133378.4); c.34523-387_34523-386inv (NM_001256850.1); c.38879_38880invCA (NM_001267550.2); c.38879_38880delinsTG (NM_001267550.2); short protein forms P12960L.
Identifiers: ClinVar variation 404634 (VCV000404634.5), ClinGen allele CA16610519.